The following is an entry in ClinVar:

NM_001197104.2(KMT2A):c.5318G>A (p.Ser1773Asn)

Gene: KMT2A (lysine methyltransferase 2A; plus strand). Cytogenetic location: 11q23.3.
Variant type: single nucleotide variant.
Coding change: c.5318G>A on transcript NM_001197104.2 (MANE Select); coding-DNA position 5318, G replaced by A.
Protein change: p.Ser1773Asn; replaces serine 1773 with asparagine.
Molecular consequence: missense variant.
Genome position (GRCh38, 1-based): chr11:118,494,722, G>A. VCF-style: chr11-118494722-G-A. GRCh37 (hg19) VCF-style: chr11-118365437-G-A.
Other names: c.5408G>A, p.Ser1803Asn (NM_001412597.1); c.5309G>A, p.Ser1770Asn (NM_005933.4); short protein forms S1770N, S1773N, S1803N.
Identifiers: ClinVar variation 1717697 (VCV001717697.5), dbSNP rs1555043459, ClinGen allele CA382837876.

ClinVar aggregate classification (germline): Uncertain significance (1 of 4 stars; one submission).

Allele frequency attached by ClinVar (database versions not stated): gnomAD exomes below 0.00001.
gnomAD v4.1: 3 of 1,614,038 alleles (0.00019%); highest among the groups gnomAD compares: South Asian, 0.0033%; 1 homozygote.

Submission:

Labcorp Genetics (formerly Invitae), Labcorp
Classification: Uncertain significance. Last evaluated: 2022-08-29. Review status: criteria provided, single submitter. Criteria: Invitae Variant Classification Sherloc (09022015). Collection method: clinical testing. Allele origin: germline.
Comment: This variant has not been reported in the literature in individuals affected with KMT2A-related conditions. This variant is present in population databases (no rsID available, gnomAD 0.003%). This sequence change replaces serine, which is neutral and polar, with asparagine, which is neutral and polar, at codon 1773 of the KMT2A protein (p.Ser1773Asn). In summary, the available evidence is currently insufficient to determine the role of this variant in disease. Therefore, it has been classified as a Variant of Uncertain Significance. Advanced modeling of protein sequence and biophysical properties (such as structural, functional, and spatial information, amino acid conservation, physicochemical variation, residue mobility, and thermodynamic stability) performed at Invitae indicates that this missense variant is not expected to disrupt KMT2A protein function.